The following is an entry in ClinVar:

ClinVar aggregate classification (germline): Likely benign (0 of 4 stars; one submission).

Conditions:
RAI1-related disorder. Also called: RAI1-related condition.

gnomAD v4.1: 1 of 1,613,488 alleles (0.000062%); highest among the groups gnomAD compares: Admixed American, 0.0017%; no homozygotes.

Submission:

PreventionGenetics, part of Exact Sciences
Classification: Likely benign for RAI1-related condition. Last evaluated: 2021-10-12. Review status: no assertion criteria provided. Collection method: clinical testing. Allele origin: germline.
Comment: This variant is classified as likely benign based on ACMG/AMP sequence variant interpretation guidelines (Richards et al. 2015 PMID: 25741868, with internal and published modifications).

NM_030665.4(RAI1):c.4752G>A (p.Lys1584=)

Gene: RAI1 (retinoic acid induced 1; plus strand). Cytogenetic location: 17p11.2.
Variant type: single nucleotide variant.
Coding change: c.4752G>A on transcript NM_030665.4 (MANE Select); coding-DNA position 4752, G replaced by A.
Protein change: p.Lys1584=; no amino-acid change (lysine 1584 retained).
Molecular consequence: synonymous variant.
Genome position (GRCh38, 1-based): chr17:17,797,700, G>A. VCF-style: chr17-17797700-G-A. GRCh37 (hg19) VCF-style: chr17-17701014-G-A.
Identifiers: ClinVar variation 3355711 (VCV003355711.1).